The following is an entry in ClinVar:

NM_005359.6(SMAD4):c.*5994A>C

Gene: SMAD4 (SMAD family member 4; plus strand). Cytogenetic location: 18q21.2.
Variant type: single nucleotide variant.
Coding change: c.*5994A>C on transcript NM_005359.6 (MANE Select); 5994 bases downstream of the stop codon, A replaced by C.
Molecular consequence: 3 prime UTR variant.
Genome position (GRCh38, 1-based): chr18:51,084,461, A>C. VCF-style: chr18-51084461-A-C. GRCh37 (hg19) VCF-style: chr18-48610831-A-C.
Identifiers: ClinVar variation 327211 (VCV000327211.6), dbSNP rs3819122, ClinGen allele CA10651008.

ClinVar aggregate classification (germline): Benign. Review status: criteria provided, multiple submitters, no conflicts (2 of 4 stars). 4 submissions from 2 submitters: Benign (4). Last evaluated 2018-01-13.

Conditions:
Myhre syndrome (MYHRS). Also called: LARYNGOTRACHEAL STENOSIS, ARTHROPATHY, PROGNATHISM, AND SHORT STATURE; LAPS SYNDROME. Identifiers: Orphanet 2588, MedGen C0796081, MONDO:0007688, OMIM 139210.
Juvenile polyposis/hereditary hemorrhagic telangiectasia syndrome (JPHT). Also called: JP/HHT SYNDROME; JUVENILE POLYPOSIS WITH HEREDITARY HEMORRHAGIC TELANGIECTASIA; POLYPOSIS, GENERALIZED JUVENILE, WITH PULMONARY ARTERIOVENOUS MALFORMATION; TELANGIECTASIA, HEREDITARY HEMORRHAGIC, WITH JUVENILE POLYPOSIS COLI; Juvenile Polyposis Syndrome / Hereditary Hemorrhagic Telangiectasia (JPS/HHT). Identifiers: Orphanet 2929, MedGen C1832942, MONDO:0008278, OMIM 175050.
Generalized juvenile polyposis/juvenile polyposis coli. Also called: Juvenile polyposis coli. Identifiers: Orphanet 329971, MedGen C1868081, MONDO:0008276.

Allele frequency attached by ClinVar (database versions not stated): 1000 Genomes Project 30x 0.37680; 1000 Genomes Project 0.37819; TOPMed 0.39961; gnomAD exomes 0.49091.
gnomAD v4.1: 85,464 of 202,100 alleles (42%); highest among the groups gnomAD compares: East Asian, 52%; 17,159 homozygotes.

Submissions (4):

Illumina Laboratory Services, Illumina
Classification: Benign for Juvenile polyposis syndrome. Last evaluated: 2018-01-13. Review status: criteria provided, single submitter. Criteria: ICSL Variant Classification Criteria 13 December 2019. Collection method: clinical testing. Allele origin: germline.
Comment: This variant was observed in the ICSL laboratory as part of a predisposition screen in an ostensibly healthy population. It had not been previously curated by ICSL or reported in the Human Gene Mutation Database (HGMD: prior to June 1st, 2018), and was therefore a candidate for classification through an automated scoring system. Utilizing variant allele frequency, disease prevalence and penetrance estimates, and inheritance mode, an automated score was calculated to assess if this variant is too frequent to cause the disease. Based on the score and internal cut-off values, a variant classified as benign is not then subjected to further curation. The score for this variant resulted in a classification of benign for this disease.

Illumina Laboratory Services, Illumina
Classification: Benign for Juvenile polyposis/hereditary hemorrhagic telangiectasia syndrome. Last evaluated: 2018-01-13. Review status: criteria provided, single submitter. Criteria: ICSL Variant Classification Criteria 13 December 2019. Collection method: clinical testing. Allele origin: germline.
Comment: the same text as in the submission from Illumina Laboratory Services, Illumina above.

Illumina Laboratory Services, Illumina
Classification: Benign for Myhre syndrome. Last evaluated: 2018-01-13. Review status: criteria provided, single submitter. Criteria: ICSL Variant Classification Criteria 13 December 2019. Collection method: clinical testing. Allele origin: germline.
Comment: the same text as in the submission from Illumina Laboratory Services, Illumina above.

Breakthrough Genomics
Classification: Benign. Review status: criteria provided, single submitter. Criteria: ACMG Guidelines, 2015. Collection method: not provided. Allele origin: germline. Inheritance: Autosomal dominant inheritance. Affected: yes.